The following is an entry in ClinVar:

NM_152467.5(KLHL10):c.949A>G (p.Arg317Gly)

Gene: KLHL10 (kelch like family member 10; plus strand). Cytogenetic location: 17q21.2.
Variant type: single nucleotide variant.
Coding change: c.949A>G on transcript NM_152467.5 (MANE Select); coding-DNA position 949, A replaced by G.
Protein change: p.Arg317Gly; replaces arginine 317 with glycine.
Molecular consequence: missense variant.
Genome position (GRCh38, 1-based): chr17:41,845,390, A>G. VCF-style: chr17-41845390-A-G. GRCh37 (hg19) VCF-style: chr17-40001642-A-G.
Other names: c.949A>G, p.Arg317Gly (NM_001329595.1); c.685A>G, p.Arg229Gly (NM_001329596.2); short protein forms R229G, R317G.
Identifiers: ClinVar variation 3025421 (VCV003025421.22), dbSNP rs149895408, ClinGen allele CA8567297.
Genomic context (GRCh38, chr17:41,845,390, plus strand): 5'-GGTGGCTGGAGTGGTGGGAGCCCCACCAATGCCATTGAGGCATATGACGCTCGGGCAGAC[A>G]GATGGGTGAATGTTACTTGTGAGGAAGAGAGTCCCCGTGCCTACCATGGGGCAGCCTATT-3'
Protein context (NP_689680.2, residues 307-327): AIEAYDARAD[Arg317Gly]WVNVTCEEES

ClinVar aggregate classification (germline): Likely benign (1 of 4 stars; one submission).

Allele frequency attached by ClinVar (database versions not stated): gnomAD exomes 0.00006; ExAC 0.00017; ESP Exome Variant Server 0.00041; gnomAD 0.00052; 1000 Genomes Project 30x 0.00062; TOPMed 0.00063; 1000 Genomes Project 0.00080.
gnomAD v4.1: 178 of 1,614,240 alleles (0.011%); highest among the groups gnomAD compares: African/African-American, 0.2%; no homozygotes.

Submission:

CeGaT Center for Human Genetics Tuebingen
Classification: Likely benign. Last evaluated: 2023-12-01. Review status: criteria provided, single submitter. Criteria: CeGaT Center For Human Genetics Tuebingen Variant Classification Criteria Version 2. Collection method: clinical testing. Allele origin: germline. Affected: yes. Observed: 1 variant allele.
Comment: KLHL10: BS1